The following is an entry in ClinVar:

NM_015346.4(ZFYVE26):c.605G>A (p.Arg202Gln)

Gene: ZFYVE26 (zinc finger FYVE-type containing 26; minus strand). Cytogenetic location: 14q24.1.
Variant type: single nucleotide variant.
Coding change: c.605G>A on transcript NM_015346.4 (MANE Select); coding-DNA position 605, G replaced by A.
Protein change: p.Arg202Gln; replaces arginine 202 with glutamine.
Molecular consequence: missense variant.
Genome position (GRCh38, 1-based): chr14:67,807,679, C>T on the plus strand (G>A on the coding strand, the complement: ZFYVE26 is on the minus strand). VCF-style: chr14-67807679-C-T. GRCh37 (hg19) VCF-style: chr14-68274396-C-T.
Other names: short protein forms R202Q.
Identifiers: ClinVar variation 406175 (VCV000406175.6), dbSNP rs752239666, ClinGen allele CA7240758.

ClinVar aggregate classification (germline): Conflicting classifications of pathogenicity. Review status: criteria provided, conflicting classifications (1 of 4 stars). 4 submissions from 4 submitters: Uncertain significance (3); Likely benign (1). Last evaluated 2024-12-02.

Conditions:
Spastic paraplegia. Identifiers: MedGen C0037772, HP:0001258.

Allele frequency attached by ClinVar (database versions not stated): gnomAD exomes 0.00004; gnomAD 0.00007; TOPMed 0.00007.

Submissions (4):

Labcorp Genetics (formerly Invitae), Labcorp
Classification: Uncertain significance for Spastic paraplegia. Last evaluated: 2024-12-02. Review status: criteria provided, single submitter. Criteria: Invitae Variant Classification Sherloc (09022015). Collection method: clinical testing. Allele origin: germline.
Comment: This sequence change replaces arginine, which is basic and polar, with glutamine, which is neutral and polar, at codon 202 of the ZFYVE26 protein (p.Arg202Gln). This variant is present in population databases (rs752239666, gnomAD 0.02%). This variant has not been reported in the literature in individuals affected with ZFYVE26-related conditions. ClinVar contains an entry for this variant (Variation ID: 406175). An algorithm developed to predict the effect of missense changes on protein structure and function outputs the following: PolyPhen-2: "Benign". The glutamine amino acid residue is found in multiple mammalian species, which suggests that this missense change does not adversely affect protein function. In summary, the available evidence is currently insufficient to determine the role of this variant in disease. Therefore, it has been classified as a Variant of Uncertain Significance.

Blueprint Genetics
Classification: Likely benign. Last evaluated: 2024-09-06. Review status: criteria provided, single submitter. Criteria: ACMG Guidelines, 2015. Collection method: clinical testing. Allele origin: germline.

Athena Diagnostics
Classification: Uncertain significance. Last evaluated: 2024-09-04. Review status: criteria provided, single submitter. Criteria: Athena Diagnostics Criteria. Collection method: clinical testing. Allele origin: unknown.
Comment: Available data are insufficient to determine the clinical significance of the variant at this time. The frequency of this variant in the general population is uninformative in assessment of its pathogenicity. Polyphen and MutationTaster predict this amino acid change may be benign.

Breakthrough Genomics
Classification: Uncertain significance. Review status: criteria provided, single submitter. Criteria: ACMG Guidelines, 2015. Collection method: not provided. Allele origin: germline. Inheritance: Autosomal recessive inheritance. Affected: yes.

Literature cited by the submitters: PubMed 24123366 (cited by Athena Diagnostics).